The following is an entry in ClinVar:

ClinVar aggregate classification (germline): Uncertain significance (1 of 4 stars; one submission).

Conditions:
Neurofibromatosis, type 1 (NF1). Also called: VON RECKLINGHAUSEN DISEASE; Peripheral type neurofibromatosis; NEUROFIBROMATOSIS, TYPE I, SOMATIC; Neurofibromatosis, type I. Identifiers: Orphanet 636, MedGen C0027831, MONDO:0018975, OMIM 162200. Disease mechanism: loss of function.

gnomAD v4.1: 1 of 1,613,096 alleles (0.000062%); no homozygotes.

Submission:

Labcorp Genetics (formerly Invitae), Labcorp
Classification: Uncertain significance for Neurofibromatosis, type 1. Last evaluated: 2024-10-02. Review status: criteria provided, single submitter. Criteria: Invitae Variant Classification Sherloc (09022015). Collection method: clinical testing. Allele origin: germline.
Comment: This sequence change replaces histidine, which is basic and polar, with leucine, which is neutral and non-polar, at codon 1697 of the NF1 protein (p.His1697Leu). This variant is not present in population databases (gnomAD no frequency). This variant has not been reported in the literature in individuals affected with NF1-related conditions. Invitae Evidence Modeling of protein sequence and biophysical properties (such as structural, functional, and spatial information, amino acid conservation, physicochemical variation, residue mobility, and thermodynamic stability) has been performed for this missense variant. However, the output from this modeling did not meet the statistical confidence thresholds required to predict the impact of this variant on NF1 protein function. In summary, the available evidence is currently insufficient to determine the role of this variant in disease. Therefore, it has been classified as a Variant of Uncertain Significance.

NM_001042492.3(NF1):c.5153A>T (p.His1718Leu)

Gene: NF1 (neurofibromin 1; plus strand). Cytogenetic location: 17q11.2.
Variant type: single nucleotide variant.
Coding change: c.5153A>T on transcript NM_001042492.3 (MANE Select); coding-DNA position 5153, A replaced by T.
Protein change: p.His1718Leu; replaces histidine 1718 with leucine.
Molecular consequence: missense variant.
Genome position (GRCh38, 1-based): chr17:31,326,137, A>T. VCF-style: chr17-31326137-A-T. GRCh37 (hg19) VCF-style: chr17-29653155-A-T.
Other names: c.5090A>T, p.His1697Leu (NM_000267.4); short protein forms H1718L, H1697L.
Identifiers: ClinVar variation 3634568 (VCV003634568.2).
Genomic context (GRCh38, chr17:31,326,137, plus strand): 5'-CTGGCCTCAAAGGTAGCAAAAGGCTTGTTTTCATAGACTGTCCTGGGAAACTGGCTGAGC[A>T]CATAGAGCATGAACAACAGAAACTACCTGCTGCCACCTTGGCTTTAGAAGAGGACCTGAA-3'
Protein context (NP_001035957.1, residues 1708-1728): FIDCPGKLAE[His1718Leu]IEHEQQKLPA